The following is an entry in ClinVar:

NM_002474.3(MYH11):c.3770T>C (p.Leu1257Pro)

Gene: MYH11 (myosin heavy chain 11; minus strand). Cytogenetic location: 16p13.11.
Variant type: single nucleotide variant.
Coding change: c.3770T>C on transcript NM_002474.3 (MANE Select); coding-DNA position 3770, T replaced by C.
Protein change: p.Leu1257Pro; replaces leucine 1257 with proline.
Molecular consequence: missense variant.
Genome position (GRCh38, 1-based): chr16:15,726,936, A>G on the plus strand (T>C on the coding strand, the complement: MYH11 is on the minus strand). VCF-style: chr16-15726936-A-G. GRCh37 (hg19) VCF-style: chr16-15820793-A-G.
Other names: c.3791T>C, p.Leu1264Pro (NM_001040113.2, NM_001040114.2); c.3770T>C, p.Leu1257Pro (NM_022844.3); short protein forms L1264P, L1257P.
Identifiers: ClinVar variation 1417736 (VCV001417736.8), dbSNP rs387906532, ClinGen allele CA257128.

ClinVar aggregate classification (germline): Uncertain significance (1 of 4 stars; one submission).

Conditions:
Aortic aneurysm, familial thoracic 4 (AAT4). Also called: AORTIC ANEURYSM/AORTIC DISSECTION AND PATENT DUCTUS ARTERIOSUS. Identifiers: MedGen C1851504, MONDO:0007568, OMIM 132900.

Submission:

Labcorp Genetics (formerly Invitae), Labcorp
Classification: Uncertain significance for Aortic aneurysm, familial thoracic 4. Last evaluated: 2023-11-03. Review status: criteria provided, single submitter. Criteria: Invitae Variant Classification Sherloc (09022015). Collection method: clinical testing. Allele origin: germline.
Comment: This sequence change replaces leucine, which is neutral and non-polar, with proline, which is neutral and non-polar, at codon 1264 of the MYH11 protein (p.Leu1264Pro). This variant is not present in population databases (gnomAD no frequency). This missense change has been observed in individual(s) with clinical features of autosomal dominant thoracic aortic aneurysm and dissection (Invitae). ClinVar contains an entry for this variant (Variation ID: 1417736). Advanced modeling of protein sequence and biophysical properties (such as structural, functional, and spatial information, amino acid conservation, physicochemical variation, residue mobility, and thermodynamic stability) performed at Invitae indicates that this missense variant is not expected to disrupt MYH11 protein function with a negative predictive value of 80%. In summary, the available evidence is currently insufficient to determine the role of this variant in disease. Therefore, it has been classified as a Variant of Uncertain Significance.